The following is an entry in ClinVar:

NM_002890.3(RASA1):c.1192C>T (p.Arg398Ter)

Genes: CCNH (cyclin H; minus strand), RASA1 (RAS p21 protein activator 1; plus strand). Cytogenetic location: 5q14.3.
Variant type: single nucleotide variant.
Coding change: c.1192C>T on transcript NM_002890.3 (MANE Select); coding-DNA position 1192, C replaced by T.
Protein change: p.Arg398Ter; replaces arginine 398 with a stop codon.
Molecular consequence: nonsense. On other transcripts: intron variant (1).
Genome position (GRCh38, 1-based): chr5:87,349,303, C>T. VCF-style: chr5-87349303-C-T. GRCh37 (hg19) VCF-style: chr5-86645120-C-T.
Other names: c.661C>T, p.Arg221Ter (NM_022650.3); c.934-36508G>A (NM_001364075.2); short protein forms R398*, R221*.
Identifiers: ClinVar variation 652988 (VCV000652988.12), dbSNP rs1210180190, ClinGen allele CA360363898.

ClinVar aggregate classification (germline): Pathogenic. Review status: criteria provided, multiple submitters, no conflicts (2 of 4 stars). 3 submissions from 3 submitters: Pathogenic (3). Last evaluated 2026-06-19.

Conditions:
Capillary malformation-arteriovenous malformation syndrome. Also called: Capillary malformation-arteriovenous malformation. Identifiers: Orphanet 137667, MedGen C1842180, MONDO:0012016.
RASA1-related disorder. Also called: RASA1-related condition.

Allele frequency attached by ClinVar (database versions not stated): gnomAD exomes below 0.00001.
gnomAD v4.1: 1 of 1,611,926 alleles (0.000062%); highest among the groups gnomAD compares: Non-Finnish European, 0.000085%; no homozygotes.

Submissions (3):

PreventionGenetics, part of Exact Sciences
Classification: Pathogenic for RASA1-related condition. Last evaluated: 2026-06-19. Review status: criteria provided, single submitter. Criteria: ACMG Guidelines, 2015. Collection method: clinical testing. Allele origin: germline.
Comment: The RASA1 c.1192C>T variant is predicted to result in premature protein termination (p.Arg398*). This variant has been reported in individuals with capillary malformation-arteriovenous malformation (CM-AVM) syndrome and has been reported to segregate with disease in two families (Revencu et al. 2008. PubMed ID: 18446851; Revencu et al. 2013. PubMed ID: 24038909). This variant has also been reported in an individual with Parkes-Weber syndrome (Cai et al. 2025. PubMed ID: 40483475). This variant has not been reported in a large population database (gnomAD), indicating this variant is rare. Nonsense variants in RASA1 are expected to be pathogenic. This variant is interpreted as pathogenic.

Labcorp Genetics (formerly Invitae), Labcorp
Classification: Pathogenic for Capillary malformation-arteriovenous malformation syndrome. Last evaluated: 2024-06-25. Review status: criteria provided, single submitter. Criteria: Invitae Variant Classification Sherloc (09022015). Collection method: clinical testing. Allele origin: germline.
Comment: This sequence change creates a premature translational stop signal (p.Arg398*) in the RASA1 gene. It is expected to result in an absent or disrupted protein product. Loss-of-function variants in RASA1 are known to be pathogenic (PMID: 24038909). This variant is not present in population databases (gnomAD no frequency). This premature translational stop signal has been observed in individual(s) with capillary malformation-arteriovenous malformation (PMID: 18446851, 24038909). It has also been observed to segregate with disease in related individuals. ClinVar contains an entry for this variant (Variation ID: 652988). For these reasons, this variant has been classified as Pathogenic.

Seattle Children's Hospital Molecular Genetics Laboratory, Seattle Children's Hospital
Classification: Pathogenic. Last evaluated: 2020-03-13. Review status: criteria provided, single submitter. Criteria: ACMG Guidelines, 2015. Collection method: clinical testing. Allele origin: germline. Affected: yes.
Comment: The p.Arg398* variant replaces the arginine at position 398 with a termination codon and is expected to cause a loss of protein function. This variant is absent from large population cohorts (0 of 250,278 alleles; Genome Aggregation Database v2.1). This variant has previously been reported in several affected individuals with capillary malformations (PMID: 18446851, PMID: 24038909, PMID: 31300548). Often the p.Arg398* variant was inherited (PMID: 18446851, PMID: 24038909).

Literature cited by the submitters: PubMed 24038909 (cited by Labcorp Genetics (formerly Invitae), Labcorp); PubMed 18446851 (cited by Labcorp Genetics (formerly Invitae), Labcorp).